The following is an entry in ClinVar:

NM_006904.7(PRKDC):c.5250G>C (p.Leu1750Phe)

Gene: PRKDC (protein kinase, DNA-activated, catalytic subunit; minus strand). Cytogenetic location: 8q11.21.
Variant type: single nucleotide variant.
Coding change: c.5250G>C on transcript NM_006904.7 (MANE Select); coding-DNA position 5250, G replaced by C.
Protein change: p.Leu1750Phe; replaces leucine 1750 with phenylalanine.
Molecular consequence: missense variant.
Genome position (GRCh38, 1-based): chr8:47,877,837, C>G on the plus strand (G>C on the coding strand, the complement: PRKDC is on the minus strand). VCF-style: chr8-47877837-C-G. GRCh37 (hg19) VCF-style: chr8-48790398-C-G.
Other names: c.5250G>C, p.Leu1750Phe (NM_001081640.2); short protein forms L1750F.
Identifiers: ClinVar variation 1746366 (VCV001746366.2), dbSNP rs2089122232, ClinGen allele CA371137925.

ClinVar aggregate classification (germline): Uncertain significance (1 of 4 stars; one submission).

Submission:

Ambry Genetics
Classification: Uncertain significance. Last evaluated: 2021-07-13. Review status: criteria provided, single submitter. Criteria: Ambry Variant Classification Scheme 2023. Collection method: clinical testing. Allele origin: germline.
Comment: The p.L1750F variant (also known as c.5250G>C), located in coding exon 40 of the PRKDC gene, results from a G to C substitution at nucleotide position 5250. The leucine at codon 1750 is replaced by phenylalanine, an amino acid with highly similar properties. This amino acid position is conserved. In addition, the in silico prediction for this alteration is inconclusive. Since supporting evidence is limited at this time, the clinical significance of this alteration remains unclear.